The following is an entry in ClinVar:

NM_002858.4(ABCD3):c.93C>T (p.Arg31=)

Gene: ABCD3 (ATP binding cassette subfamily D member 3; plus strand). Cytogenetic location: 1p21.3.
Variant type: single nucleotide variant.
Coding change: c.93C>T on transcript NM_002858.4 (MANE Select); coding-DNA position 93, C replaced by T.
Protein change: p.Arg31=; no amino-acid change (arginine 31 retained).
Molecular consequence: synonymous variant.
Genome position (GRCh38, 1-based): chr1:94,418,571, C>T. VCF-style: chr1-94418571-C-T. GRCh37 (hg19) VCF-style: chr1-94884127-C-T.
Other names: c.93C>T, p.Arg31= (NM_001122674.2); c.93C>T (NM_002858.3).
Identifiers: ClinVar variation 2174818 (VCV002174818.6), dbSNP rs775974553, ClinGen allele CA959990.
Genomic context (GRCh38, chr1:94,418,571, plus strand): 5'-AAACTCCTCGCTGGCTGGTGCCGCGTTCCTGCTGCTCTGCCTGCTCCACAAGCGGCGCCG[C>T]GCCCTCGGCCTGCACGGGTAAGAAGGCCCGTAGCCGTGCAGCTTTCCCGGGCTGGAGCGG-3'
Protein context (NP_002849.1, residues 21-41): LLLCLLHKRR[Arg31=]ALGLHGKKSG

ClinVar aggregate classification (germline): Likely benign. Review status: criteria provided, multiple submitters, no conflicts (2 of 4 stars). 3 submissions from 3 submitters: Likely benign (3). Last evaluated 2026-05-17.

Conditions:
ABCD3-related disorder. Also called: ABCD3-related condition.

Allele frequency attached by ClinVar (database versions not stated): gnomAD exomes 0.00004; gnomAD 0.00005; ExAC 0.00012; TOPMed 0.00012.
gnomAD v4.1: 70 of 1,599,712 alleles (0.0044%); highest among the groups gnomAD compares: Admixed American, 0.03%; 1 homozygote.

Submissions (3):

PreventionGenetics, part of Exact Sciences
Classification: Likely benign for ABCD3-related condition. Last evaluated: 2026-05-17. Review status: criteria provided, single submitter. Criteria: ACMG Guidelines, 2015. Collection method: clinical testing. Allele origin: germline.
Comment: This variant is classified as likely benign based on ACMG/AMP sequence variant interpretation guidelines (Richards et al. 2015 PMID: 25741868, with internal and published modifications).

Labcorp Genetics (formerly Invitae), Labcorp
Classification: Likely benign. Last evaluated: 2026-01-07. Review status: criteria provided, single submitter. Criteria: Invitae Variant Classification Sherloc (09022015). Collection method: clinical testing. Allele origin: germline.

Blueprint Genetics
Classification: Likely benign. Last evaluated: 2022-10-21. Review status: criteria provided, single submitter. Criteria: ACMG Guidelines, 2015. Collection method: clinical testing. Allele origin: germline.